The following is an entry in ClinVar:

NM_000141.5(FGFR2):c.1287+2A>G

Gene: FGFR2 (fibroblast growth factor receptor 2; minus strand). Cytogenetic location: 10q26.13.
Variant type: single nucleotide variant.
Coding change: c.1287+2A>G on transcript NM_000141.5 (MANE Select); the canonical splice donor site of the intron after coding-DNA position 1287, A replaced by G.
Molecular consequence: splice donor variant. On other transcripts: intron variant (7).
Genome position (GRCh38, 1-based): chr10:121,515,115, T>C on the plus strand (A>G on the coding strand, the complement: FGFR2 is on the minus strand). VCF-style: chr10-121515115-T-C. GRCh37 (hg19) VCF-style: chr10-123274629-T-C.
Other names: c.951+2A>G (NM_001144914.1); c.936+8A>G (NM_001144918.2, NM_001441091.1); c.942+2A>G (NM_001441090.1, NM_001144916.2); c.1014+8A>G (NM_001441089.1); c.1020+2A>G (NM_023029.3, NM_001144915.2); c.1017+8A>G (NM_001441088.1); c.939+4864A>G (NM_001144917.2); c.1281+8A>G (NM_001320658.2); and 4 more.
Identifiers: ClinVar variation 4742234 (VCV004742234.1).

ClinVar aggregate classification (germline): Uncertain significance (1 of 4 stars; one submission).

Conditions:
FGFR2-related craniosynostosis. Identifiers: MedGen CN231480.

gnomAD v4.1: 26 of 1,613,820 alleles (0.0016%); highest among the groups gnomAD compares: Non-Finnish European, 0.0022%; no homozygotes.

Submission:

Labcorp Genetics (formerly Invitae), Labcorp
Classification: Uncertain significance for FGFR2-related craniosynostosis. Last evaluated: 2025-05-12. Review status: criteria provided, single submitter. Criteria: Invitae Variant Classification Sherloc (09022015). Collection method: clinical testing. Allele origin: germline.
Comment: This sequence change affects a donor splice site in intron 9 of the FGFR2 gene. It is expected to disrupt RNA splicing. Variants that disrupt the donor or acceptor splice site typically lead to a loss of protein function (PMID: 16199547), however the current clinical and genetic evidence is not sufficient to establish whether loss-of-function variants in FGFR2 cause disease. This variant is present in population databases (rs759078695, gnomAD 0.002%). This variant has not been reported in the literature in individuals affected with FGFR2-related conditions. In summary, the available evidence is currently insufficient to determine the role of this variant in disease. Therefore, it has been classified as a Variant of Uncertain Significance.

Literature cited by the submitters: PubMed 16199547.